The following is an entry in ClinVar:

NM_007294.4(BRCA1):c.1684A>C (p.Ile562Leu)

Gene: BRCA1 (BRCA1 DNA repair associated; minus strand). Cytogenetic location: 17q21.31.
Variant type: single nucleotide variant.
Coding change: c.1684A>C on transcript NM_007294.4 (MANE Select); coding-DNA position 1684, A replaced by C.
Protein change: p.Ile562Leu; replaces isoleucine 562 with leucine.
Molecular consequence: missense variant. On other transcripts: intron variant (137).
Genome position (GRCh38, 1-based): chr17:43,093,847, T>G on the plus strand (A>C on the coding strand, the complement: BRCA1 is on the minus strand). VCF-style: chr17-43093847-T-G. GRCh37 (hg19) VCF-style: chr17-41245864-T-G.
Other names: c.1684A>C, p.Ile562Leu (NM_001407593.1, NM_001407594.1, NM_001407596.1 and 30 more transcripts); c.1681A>C, p.Ile561Leu (NM_001407610.1, NM_001407627.1, NM_001407628.1 and 22 more transcripts); c.1675A>C, p.Ile559Leu (NM_001407646.1, NM_001407647.1); c.1561A>C, p.Ile521Leu (NM_001407648.1, NM_001407664.1, NM_001407665.1 and 19 more transcripts); c.1558A>C, p.Ile520Leu (NM_001407649.1, NM_001407670.1, NM_001407685.1 and 11 more transcripts); c.1603A>C, p.Ile535Leu (NM_001407662.1, NM_001407659.1, NM_001407660.1 and 1 more transcripts); c.1606A>C, p.Ile536Leu (NM_001407663.1, NM_001407653.1, NM_001407654.1 and 4 more transcripts); c.1543A>C, p.Ile515Leu (NM_001407726.1, NM_001407727.1, NM_001407728.1 and 29 more transcripts); and 40 more; short protein forms I435L, I520L, I266L, I473L, I474L, I494L, I514L, I521L.
Identifiers: ClinVar variation 2089181 (VCV002089181.7), dbSNP rs1567798727, ClinGen allele CA10598664.

ClinVar aggregate classification (germline): Conflicting classifications of pathogenicity. Review status: criteria provided, conflicting classifications (1 of 4 stars). 3 submissions from 3 submitters: Uncertain significance (2); Likely benign (1). Last evaluated 2026-07-06.

Conditions:
Hereditary cancer-predisposing syndrome. Also called: Tumor predisposition; Hereditary Cancer Syndrome; Hereditary neoplastic syndrome; Neoplastic Syndromes, Hereditary. Identifiers: Orphanet 140162, MedGen C0027672, MeSH D009386, MONDO:0015356.
Hereditary breast ovarian cancer syndrome. Also called: Hereditary breast and ovarian cancer; Hereditary breast and/or ovarian cancer syndrome; Breast and ovarian cancer; Hereditary breast and ovarian cancer syndrome; Hereditary breast and ovarian cancer syndrome (HBOC); BRCA1- and BRCA2-Associated Hereditary Breast and Ovarian Cancer. Identifiers: Orphanet 145, MedGen C0677776, MeSH D061325, MONDO:0003582. Disease mechanism: loss of function.

Submissions (3):

Ambry Genetics
Classification: Uncertain significance for Hereditary cancer-predisposing syndrome. Last evaluated: 2026-07-06. Review status: criteria provided, single submitter. Criteria: Ambry Variant Classification Scheme 2023. Collection method: clinical testing. Allele origin: germline.
Comment: The p.I562L variant (also known as c.1684A>C), located in coding exon 9 of the BRCA1 gene, results from an A to C substitution at nucleotide position 1684. The isoleucine at codon 562 is replaced by leucine, an amino acid with highly similar properties. This amino acid position is conserved. In addition, the in silico prediction for this alteration is inconclusive. Based on the available evidence, the clinical significance of this variant remains unclear.

University of Washington Department of Laboratory Medicine, University of Washington
Classification: Likely benign for Hereditary cancer-predisposing syndrome. Last evaluated: 2023-03-23. Review status: criteria provided, single submitter. Criteria: Dines et al. (Genet Med. 2020). Collection method: curation. Allele origin: germline.
Comment: Missense variant in a coldspot region where missense variants are very unlikely to be pathogenic (PMID:31911673).

BRCA1 coldspot (exon 11 using historical exon numbering). Reclassification based on statistical prior probability

Labcorp Genetics (formerly Invitae), Labcorp
Classification: Uncertain significance for Hereditary breast ovarian cancer syndrome. Last evaluated: 2022-02-07. Review status: criteria provided, single submitter. Criteria: Invitae Variant Classification Sherloc (09022015). Collection method: clinical testing. Allele origin: germline.
Comment: In summary, the available evidence is currently insufficient to determine the role of this variant in disease. Therefore, it has been classified as a Variant of Uncertain Significance. Advanced modeling of protein sequence and biophysical properties (such as structural, functional, and spatial information, amino acid conservation, physicochemical variation, residue mobility, and thermodynamic stability) performed at Invitae indicates that this missense variant is not expected to disrupt BRCA1 protein function. This variant has not been reported in the literature in individuals affected with BRCA1-related conditions. This variant is not present in population databases (gnomAD no frequency). This sequence change replaces isoleucine, which is neutral and non-polar, with leucine, which is neutral and non-polar, at codon 562 of the BRCA1 protein (p.Ile562Leu).